The following is an entry in ClinVar:

ClinVar aggregate classification (germline): Uncertain significance. Review status: criteria provided, multiple submitters, no conflicts (2 of 4 stars). 3 submissions from 3 submitters: Uncertain significance (3). Last evaluated 2024-08-31.

Conditions:
ALG9 congenital disorder of glycosylation (CDG1L). Also called: CDG Il; CONGENITAL DISORDER OF GLYCOSYLATION, TYPE Il; ALG9-CDG. Identifiers: Orphanet 79328, MedGen C2931006, MONDO:0012117, OMIM 608776.
Gillessen-Kaesbach-Nishimura syndrome (GIKANIS). Identifiers: MedGen C1849762, MONDO:0009890, OMIM 263210.
Inborn genetic diseases. Identifiers: MedGen C0950123, MeSH D030342.

Allele frequency attached by ClinVar (database versions not stated): ExAC 0.00003; gnomAD 0.00006; TOPMed 0.00006.
gnomAD v4.1: 116 of 1,613,934 alleles (0.0072%); highest among the groups gnomAD compares: Admixed American, 0.012%; no homozygotes.

Submissions (3):

Labcorp Genetics (formerly Invitae), Labcorp
Classification: Uncertain significance for ALG9 congenital disorder of glycosylation. Last evaluated: 2024-08-31. Review status: criteria provided, single submitter. Criteria: Invitae Variant Classification Sherloc (09022015). Collection method: clinical testing. Allele origin: germline.
Comment: This sequence change replaces arginine, which is basic and polar, with tryptophan, which is neutral and slightly polar, at codon 607 of the ALG9 protein (p.Arg607Trp). This variant is present in population databases (rs781849410, gnomAD 0.01%). This variant has not been reported in the literature in individuals affected with ALG9-related conditions. Experimental studies and prediction algorithms are not available or were not evaluated, and the functional significance of this variant is currently unknown. In summary, the available evidence is currently insufficient to determine the role of this variant in disease. Therefore, it has been classified as a Variant of Uncertain Significance.

Fulgent Genetics
Classification: Uncertain significance for Gillessen-Kaesbach-Nishimura syndrome; ALG9 congenital disorder of glycosylation. Last evaluated: 2023-12-27. Review status: criteria provided, single submitter. Criteria: ACMG Guidelines, 2015. Collection method: clinical testing. Allele origin: germline.

Ambry Genetics
Classification: Uncertain significance for Inborn genetic diseases. Last evaluated: 2023-12-12. Review status: criteria provided, single submitter. Criteria: Ambry Variant Classification Scheme 2023. Collection method: clinical testing. Allele origin: germline.

NM_024740.2(ALG9):c.1819C>T (p.Arg607Trp)

Gene: ALG9 (ALG9 alpha-1,2-mannosyltransferase; minus strand). Cytogenetic location: 11q23.1.
Variant type: single nucleotide variant.
Coding change: c.1819C>T on transcript NM_024740.2 (MANE Select); coding-DNA position 1819, C replaced by T.
Protein change: p.Arg607Trp; replaces arginine 607 with tryptophan.
Molecular consequence: missense variant. On other transcripts: 3 prime UTR variant (2), non-coding transcript variant (1).
Genome position (GRCh38, 1-based): chr11:111,786,435, G>A on the plus strand (C>T on the coding strand, the complement: ALG9 is on the minus strand). VCF-style: chr11-111786435-G-A. GRCh37 (hg19) VCF-style: chr11-111657159-G-A.
Other names: c.1798C>T, p.Arg600Trp (NM_001077690.1, NM_001352417.1); c.1306C>T, p.Arg436Trp (NM_001077691.2, NM_001352413.1, NM_001352414.2 and 1 more transcripts); c.1285C>T, p.Arg429Trp (NM_001077692.2, NM_001352409.1, NM_001352410.1 and 4 more transcripts); c.1675C>T, p.Arg559Trp (NM_001352418.1); c.*91C>T (NM_001352420.2); c.*85C>T (NM_001352421.2); c.1210C>T, p.Arg404Trp (NM_001352422.2); c.1162C>T, p.Arg388Trp (NM_001352423.2); short protein forms R404W, R429W, R559W, R600W, R607W, R388W, R436W.
Identifiers: ClinVar variation 3111433 (VCV003111433.4), dbSNP rs781849410, ClinGen allele CA6274291.
Genomic context (GRCh38, chr11:111,786,435, plus strand): 5'-CTTTGGGGCCACAGGTGTGTTGCTAACCTCCACTTTTCTTCCTGATTTGCTTTGCTTTCC[G>A]GGGTTTGAGGATGGTGTAGTTTACGTACACTGTATACTGATCTGACAGGAAGGGGACATA-3'
Protein context (NP_079016.2, residues 597-617): VYVNYTILKP[Arg607Trp]KAKQIRKKSG